The following is an entry in ClinVar:

ClinVar aggregate classification (germline): Uncertain significance. Review status: criteria provided, multiple submitters, no conflicts (2 of 4 stars). 2 submissions from 2 submitters: Uncertain significance (2). Last evaluated 2022-03-13.

Conditions:
Alstrom syndrome (ALMS). Identifiers: Orphanet 64, MedGen C0268425, MONDO:0008763, OMIM 203800.

Allele frequency attached by ClinVar (database versions not stated): TOPMed 0.00001.

Submissions (2):

Labcorp Genetics (formerly Invitae), Labcorp
Classification: Uncertain significance for Alstrom syndrome. Last evaluated: 2022-03-13. Review status: criteria provided, single submitter. Criteria: Invitae Variant Classification Sherloc (09022015). Collection method: clinical testing. Allele origin: germline.
Comment: In summary, the available evidence is currently insufficient to determine the role of this variant in disease. Therefore, it has been classified as a Variant of Uncertain Significance. This sequence change replaces glycine, which is neutral and non-polar, with arginine, which is basic and polar, at codon 2749 of the ALMS1 protein (p.Gly2749Arg). This variant is not present in population databases (gnomAD no frequency). This variant has not been reported in the literature in individuals affected with ALMS1-related conditions.

Center for Genomics, Ann and Robert H. Lurie Children's Hospital of Chicago
Classification: Uncertain significance for Alstrom syndrome. Last evaluated: 2021-03-30. Review status: criteria provided, single submitter. Criteria: ACMG Guidelines, 2015. Collection method: clinical testing. Allele origin: germline.
Comment: ALMS1 NM_015120.4 exon 10 p.Gly2747Arg (c.8239G>C): This variant has not been reported in the literature and is not present in large control databases. Evolutionary conservation and computational predictive tools suggest that this variant may impact the protein. In summary, data on this variant is insufficient for disease classification. Therefore, the clinical significance of this variant is uncertain.

NM_001378454.1(ALMS1):c.8242G>C (p.Gly2748Arg)

Gene: ALMS1 (ALMS1 centrosome and basal body associated protein; plus strand). Cytogenetic location: 2p13.1.
Variant type: single nucleotide variant.
Coding change: c.8242G>C on transcript NM_001378454.1 (MANE Select); coding-DNA position 8242, G replaced by C.
Protein change: p.Gly2748Arg; replaces glycine 2748 with arginine.
Molecular consequence: missense variant.
Genome position (GRCh38, 1-based): chr2:73,490,201, G>C. VCF-style: chr2-73490201-G-C. GRCh37 (hg19) VCF-style: chr2-73717328-G-C.
Other names: c.8245G>C, p.Gly2749Arg (NM_015120.4); short protein forms G2748R, G2749R.
Identifiers: ClinVar variation 2161282 (VCV002161282.5), dbSNP rs1672947129, ClinGen allele CA347267963.